The following is an entry in ClinVar:

ClinVar aggregate classification (germline): Uncertain significance (1 of 4 stars; one submission).

Submission:

Labcorp Genetics (formerly Invitae), Labcorp
Classification: Uncertain significance. Last evaluated: 2023-09-08. Review status: criteria provided, single submitter. Criteria: Invitae Variant Classification Sherloc (09022015). Collection method: clinical testing. Allele origin: germline.
Comment: In summary, the available evidence is currently insufficient to determine the role of this variant in disease. Therefore, it has been classified as a Variant of Uncertain Significance. Advanced modeling of protein sequence and biophysical properties (such as structural, functional, and spatial information, amino acid conservation, physicochemical variation, residue mobility, and thermodynamic stability) has been performed at Invitae for this missense variant, however the output from this modeling did not meet the statistical confidence thresholds required to predict the impact of this variant on ALOX12B protein function. This missense change has been observed in individual(s) with congenital ichthyosis (Invitae). In at least one individual the data is consistent with being in trans (on the opposite chromosome) from a pathogenic variant. This variant is not present in population databases (gnomAD no frequency). This sequence change replaces glutamic acid, which is acidic and polar, with aspartic acid, which is acidic and polar, at codon 696 of the ALOX12B protein (p.Glu696Asp).

NM_001139.3(ALOX12B):c.2088G>C (p.Glu696Asp)

Gene: ALOX12B (arachidonate 12-lipoxygenase, 12R type; minus strand). Cytogenetic location: 17p13.1.
Variant type: single nucleotide variant.
Coding change: c.2088G>C on transcript NM_001139.3 (MANE Select); coding-DNA position 2088, G replaced by C.
Protein change: p.Glu696Asp; replaces glutamic acid 696 with aspartic acid.
Molecular consequence: missense variant.
Genome position (GRCh38, 1-based): chr17:8,072,789, C>G on the plus strand (G>C on the coding strand, the complement: ALOX12B is on the minus strand). VCF-style: chr17-8072789-C-G. GRCh37 (hg19) VCF-style: chr17-7976107-C-G.
Other names: short protein forms E696D.
Identifiers: ClinVar variation 2753238 (VCV002753238.3), dbSNP rs367750142, ClinGen allele CA397985249.